The following is an entry in ClinVar:

ClinVar aggregate classification (germline): Benign. Review status: criteria provided, single submitter (1 of 4 stars). 2 submissions from 2 submitters: Benign (1). 1 of the submissions does not count toward it. Last evaluated 2022-09-21.

Conditions:
EP300-related disorder. Also called: EP300-related disorders; EP300-related condition.
Rubinstein-Taybi syndrome due to EP300 haploinsufficiency. Also called: EP300-Related Rubinstein-Taybi Syndrome; RUBINSTEIN-TAYBI SYNDROME 2. Identifiers: Orphanet 353284, Orphanet 783, MedGen C3150941, MONDO:0013364, OMIM 613684.

Allele frequency attached by ClinVar (database versions not stated): gnomAD 0.00003; TOPMed 0.00005.
gnomAD v4.1: 11 of 1,613,992 alleles (0.00068%); highest among the groups gnomAD compares: African/African-American, 0.008%; no homozygotes.

Submissions (2):

Labcorp Genetics (formerly Invitae), Labcorp
Classification: Benign for Rubinstein-Taybi syndrome due to EP300 haploinsufficiency. Last evaluated: 2022-09-21. Review status: criteria provided, single submitter. Criteria: Invitae Variant Classification Sherloc (09022015). Collection method: clinical testing. Allele origin: germline.

PreventionGenetics, part of Exact Sciences
Classification: Likely benign for EP300-related condition. Last evaluated: 2022-07-30. Review status: no assertion criteria provided. Collection method: clinical testing. Allele origin: germline. Not counted in ClinVar's aggregate classification.
Comment: This variant is classified as likely benign based on ACMG/AMP sequence variant interpretation guidelines (Richards et al. 2015 PMID: 25741868, with internal and published modifications).

NM_001429.4(EP300):c.5532A>G (p.Gln1844=)

Gene: EP300 (EP300 lysine acetyltransferase; plus strand). Cytogenetic location: 22q13.2.
Variant type: single nucleotide variant.
Coding change: c.5532A>G on transcript NM_001429.4 (MANE Select); coding-DNA position 5532, A replaced by G.
Protein change: p.Gln1844=; no amino-acid change (glutamine 1844 retained).
Molecular consequence: synonymous variant.
Genome position (GRCh38, 1-based): chr22:41,177,243, A>G. VCF-style: chr22-41177243-A-G. GRCh37 (hg19) VCF-style: chr22-41573247-A-G.
Other names: c.5532A>G (NM_001429.3); c.5454A>G, p.Gln1818= (NM_001362843.2).
Identifiers: ClinVar variation 2043080 (VCV002043080.5), dbSNP rs1483819669, ClinGen allele CA514794176.